The following is an entry in ClinVar:

NM_000038.6(APC):c.1409-17T>G

Gene: APC (APC regulator of Wnt signaling pathway; plus strand). Cytogenetic location: 5q22.2.
Variant type: single nucleotide variant.
Coding change: c.1409-17T>G on transcript NM_000038.6 (MANE Select); 17 bases into the intron before coding-DNA position 1409, T replaced by G.
Molecular consequence: intron variant.
Genome position (GRCh38, 1-based): chr5:112,827,091, T>G. VCF-style: chr5-112827091-T-G. GRCh37 (hg19) VCF-style: chr5-112162788-T-G.
Other names: c.1409-17T>G (NM_001354895.2, NM_001127510.3); c.1439-17T>G (NM_001354897.2); c.1136-17T>G (NM_001354902.2); c.1355-17T>G (NM_001127511.3); c.1334-17T>G (NM_001354898.2); c.1031-17T>G (NM_001354904.2); c.560-17T>G (NM_001354906.2); c.1463-17T>G (NM_001354896.2); and 5 more.
Identifiers: ClinVar variation 371848 (VCV000371848.14), dbSNP rs764042245, ClinGen allele CA027502.
Genomic context (GRCh38, chr5:112,827,091, plus strand): 5'-TATTTAAGTTACCAACTTGGTACCAGTTTGTTTTATTTTAGATGATTGTCTTTTTCCTCT[T>G]GCCCTTTTTAAATTAGGGGGACTACAGGCCATTGCAGAATTATTGCAAGTGGACTGTGAA-3'

ClinVar aggregate classification (germline): Conflicting classifications of pathogenicity. Review status: criteria provided, conflicting classifications (1 of 4 stars). 5 submissions from 5 submitters: Uncertain significance (1); Likely benign (3). 1 of the submissions does not count toward it. Last evaluated 2025-11-03.

Conditions:
Hereditary cancer-predisposing syndrome. Also called: Tumor predisposition; Hereditary neoplastic syndrome; Neoplastic Syndromes, Hereditary; Hereditary Cancer Syndrome. Identifiers: Orphanet 140162, MedGen C0027672, MeSH D009386, MONDO:0015356.
Familial adenomatous polyposis 1 (FAP1). Also called: FAMILIAL ADENOMATOUS POLYPOSIS 1, ATTENUATED; POLYPOSIS, ADENOMATOUS INTESTINAL. Identifiers: MedGen C2713442, MONDO:0021056, OMIM 175100. Disease mechanism: loss of function.

Allele frequency attached by ClinVar (database versions not stated): gnomAD exomes below 0.00001 and 0.00001; ExAC 0.00001.
gnomAD v4.1: 1 of 1,613,318 alleles (0.000062%); highest among the groups gnomAD compares: Non-Finnish European, 0.000085%; no homozygotes.

Submissions (5):

Labcorp Genetics (formerly Invitae), Labcorp
Classification: Likely benign for Familial adenomatous polyposis 1. Last evaluated: 2025-11-03. Review status: criteria provided, single submitter. Criteria: Invitae Variant Classification Sherloc (09022015). Collection method: clinical testing. Allele origin: germline.

Myriad Genetics, Inc.
Classification: Uncertain significance for Familial adenomatous polyposis 1. Last evaluated: 2023-02-14. Review status: criteria provided, single submitter. Criteria: Myriad Autosomal Dominant, Autosomal Recessive and X-Linked Classification Criteria (2023). Collection method: clinical testing. Allele origin: unknown.
Comment: This variant is classified as a variant of uncertain significance as there is insufficient evidence to determine its impact on protein function and/or cancer risk.

Color Diagnostics, LLC DBA Color Health
Classification: Likely benign for Hereditary cancer-predisposing syndrome. Last evaluated: 2018-08-29. Review status: criteria provided, single submitter. Criteria: ACMG Guidelines, 2015. Collection method: clinical testing. Allele origin: germline.

GeneDx
Classification: Likely benign. Last evaluated: 2015-09-11. Review status: criteria provided, single submitter. Criteria: GeneDx Variant Classification (06012015). Collection method: clinical testing. Allele origin: germline. Affected: yes.
Comment: This variant is considered likely benign or benign based on one or more of the following criteria: it is a conservative change, it occurs at a poorly conserved position in the protein, it is predicted to be benign by multiple in silico algorithms, and/or has population frequency not consistent with disease.

Counsyl
Classification: Likely benign for Familial adenomatous polyposis 1. Last evaluated: 2016-05-06. Review status: no assertion criteria provided. Collection method: clinical testing. Allele origin: unknown. Not counted in ClinVar's aggregate classification.